The following is an entry in ClinVar:

ClinVar aggregate classification (germline): Likely pathogenic. Review status: criteria provided, single submitter (1 of 4 stars). 2 submissions from 2 submitters: Likely pathogenic (1). 1 of the submissions does not count toward it. Last evaluated 2022-07-14.

Conditions:
Tuberous sclerosis syndrome (TSC). Also called: Tuberous Sclerosis Complex; Tuberous sclerosis. Identifiers: Orphanet 805, MedGen C0041341, MONDO:0001734.
Tuberous sclerosis 1 (TSC1). Identifiers: Orphanet 805, MedGen C1854465, MONDO:0008612, OMIM 191100.

Submissions (2):

Human Genome Lab, NIMHANS, National Institute of Mental Health and Neuro Sciences
Classification: Likely pathogenic for Tuberous sclerosis 1. Last evaluated: 2022-07-14. Review status: criteria provided, single submitter. Criteria: ACMG Guidelines, 2015. Collection method: clinical testing. Allele origin: germline. Inheritance: Autosomal dominant inheritance. Affected: yes. Observed: 1 heterozygote.
Comment: The stop gained NM_000368.5(TSC1):c.912T>G (p.Tyr304Ter) has not been reported previously as a pathogenic variant nor as a benign variant, to our knowledge. The p.Tyr304Ter variant is novel (not in any individuals) in 1kG All. The p.Tyr304Ter variant is novel (not in any individuals) in gnomAD as well as in our inhouse database. The variant was previously reported in ClinVar database with no assertion criteria (Accession: VCV000049122.2). This variant is predicted to cause loss of normal protein function through protein truncation. This variant is a stop gained variant which occurs in an exon of TSC1 upstream of where nonsense mediated decay is predicted to occur. There are 282 downstream pathogenic loss of function variants, with the furthest variant being 652 residues downstream of this variant. This indicates that the region is critical to protein function. The gene TSC1 has a low rate of benign loss of function variants as indicated by a low upper bound of the observed/expected confidence interval 0.12. The p.Tyr304Ter variant is a loss of function variant in the gene TSC1, which is intolerant of Loss of Function variants, as indicated by the presence of existing pathogenic loss of function variant NP_000359.1:p.Q4* and 343 others. For these reasons, this variant has been classified as Likely Pathogenic.

Tuberous sclerosis database (TSC1)
No classification provided. Condition: TSC. Review status: no classification provided. Criteria: Tuberous Sclerosis Database Assertion Criteria 2015. Collection method: curation. Allele origin: germline. Affected: yes. Not counted in ClinVar's aggregate classification.

NM_000368.5(TSC1):c.912T>G (p.Tyr304Ter)

Gene: TSC1 (TSC complex subunit 1; minus strand). Cytogenetic location: 9q34.13.
Variant type: single nucleotide variant.
Coding change: c.912T>G on transcript NM_000368.5 (MANE Select); coding-DNA position 912, T replaced by G.
Protein change: p.Tyr304Ter; replaces tyrosine 304 with a stop codon.
Molecular consequence: nonsense.
Genome position (GRCh38, 1-based): chr9:132,912,283, A>C on the plus strand (T>G on the coding strand, the complement: TSC1 is on the minus strand). VCF-style: chr9-132912283-A-C. GRCh37 (hg19) VCF-style: chr9-135787670-A-C.
Other names: c.912T>G, p.Tyr304Ter (NM_001162426.2); c.759T>G, p.Tyr253Ter (NM_001162427.2); c.549T>G, p.Tyr183Ter (NM_001362177.2); short protein forms Y304*, Y253*, Y183*.
Identifiers: ClinVar variation 49122 (VCV000049122.5), dbSNP rs118203466, ClinGen allele CA008375.
Genomic context (GRCh38, chr9:132,912,283, plus strand): 5'-AAATAATGTTTTCCAGAGACAAAGTTGCAAAACAGATAAGTACCAAAGACACTTTTTACC[A>C]TAGCTATTCTGTGTGTCAGCATAAGGGCTGGTGGTGACATCGGCTGAACGATGAGGAAAG-3'